The following is an entry in ClinVar:

ClinVar aggregate classification (germline): Uncertain significance (1 of 4 stars; one submission).

Conditions:
Inborn genetic diseases. Identifiers: MedGen C0950123, MeSH D030342.

Submission:

Ambry Genetics
Classification: Uncertain significance for Inborn genetic diseases. Last evaluated: 2025-02-15. Review status: criteria provided, single submitter. Criteria: Ambry Variant Classification Scheme 2023. Collection method: clinical testing. Allele origin: germline.
Comment: The p.P158A variant (also known as c.472C>G), located in coding exon 3 of the HAX1 gene, results from a C to G substitution at nucleotide position 472. The proline at codon 158 is replaced by alanine, an amino acid with highly similar properties. This amino acid position is conserved. In addition, this alteration is predicted to be tolerated by in silico analysis. Based on the available evidence, the clinical significance of this variant remains unclear.

NM_006118.4(HAX1):c.472C>G (p.Pro158Ala)

Gene: HAX1 (HCLS1 associated protein X-1; plus strand). Cytogenetic location: 1q21.3.
Variant type: single nucleotide variant.
Coding change: c.472C>G on transcript NM_006118.4 (MANE Select); coding-DNA position 472, C replaced by G.
Protein change: p.Pro158Ala; replaces proline 158 with alanine.
Molecular consequence: missense variant.
Genome position (GRCh38, 1-based): chr1:154,273,929, C>G. VCF-style: chr1-154273929-C-G. GRCh37 (hg19) VCF-style: chr1-154246405-C-G.
Other names: c.328C>G, p.Pro110Ala (NM_001018837.2); short protein forms P110A, P158A.
Identifiers: ClinVar variation 3856889 (VCV003856889.1).